The following is an entry in ClinVar:

NM_001042492.3(NF1):c.1514del (p.Lys505fs)

Gene: NF1 (neurofibromin 1; plus strand). Cytogenetic location: 17q11.2.
Variant type: Deletion.
Coding change: c.1514del on transcript NM_001042492.3 (MANE Select); coding-DNA position 1514, one base deleted (A; older notation c.1514delA).
Protein change: p.Lys505fs; shifts the reading frame from lysine 505.
Molecular consequence: frameshift variant.
Genome position (GRCh38, 1-based): chr17:31,214,572, A deleted; the last of 3 consecutive A bases (chr17:31,214,570-31,214,572); deleting any one gives the same sequence. VCF-style (leftmost placement, unchanged base first): chr17-31214569-CA-C. GRCh37 (hg19) VCF-style: chr17-29541587-CA-C.
Other names: c.1514delA (NM_000267.3); c.1514delA, p.Lys505Serfs (NM_000267.4); c.1514del, p.Lys505fs (NM_001128147.3); short protein forms K505fs.
Identifiers: ClinVar variation 457535 (VCV000457535.5), dbSNP rs1555612289, ClinGen allele CA658656586.

ClinVar aggregate classification (germline): Pathogenic (1 of 4 stars; one submission).

Conditions:
Neurofibromatosis, type 1 (NF1). Also called: VON RECKLINGHAUSEN DISEASE; NEUROFIBROMATOSIS, TYPE I, SOMATIC; Peripheral type neurofibromatosis; Neurofibromatosis, type I. Identifiers: Orphanet 636, MedGen C0027831, MONDO:0018975, OMIM 162200. Disease mechanism: loss of function.

Submission:

Labcorp Genetics (formerly Invitae), Labcorp
Classification: Pathogenic for Neurofibromatosis, type 1. Last evaluated: 2017-06-07. Review status: criteria provided, single submitter. Criteria: Invitae Variant Classification Sherloc (09022015). Collection method: clinical testing. Allele origin: germline.
Comment: For these reasons, this variant has been classified as Pathogenic. Loss-of-function variants in NF1 are known to be pathogenic (PMID: 10712197, 23913538). This variant has not been reported in the literature in individuals with a NF1-related disease. This variant is not present in population databases (ExAC no frequency). This sequence change creates a premature translational stop signal (p.Lys505Serfs*21) in the NF1 gene. It is expected to result in an absent or disrupted protein product.

Literature cited by the submitters: PubMed 10712197; PubMed 23913538.